The following is an entry in ClinVar:

ClinVar aggregate classification (germline): Benign/Likely benign. Review status: criteria provided, multiple submitters, no conflicts (2 of 4 stars). 4 submissions from 4 submitters: Benign (1); Likely benign (2). 1 of the submissions does not count toward it. Last evaluated 2025-07-30.

Conditions:
S1PR2-related disorder. Also called: S1PR2-related condition.

Allele frequency attached by ClinVar (database versions not stated): 1000 Genomes Project 30x 0.00094; 1000 Genomes Project 0.00100; ESP Exome Variant Server 0.00123; gnomAD 0.00127 and 0.00135; TOPMed 0.00138.

Submissions (4):

Labcorp Genetics (formerly Invitae), Labcorp
Classification: Benign. Last evaluated: 2025-07-30. Review status: criteria provided, single submitter. Criteria: Invitae Variant Classification Sherloc (09022015). Collection method: clinical testing. Allele origin: germline.

GeneDx
Classification: Likely benign. Last evaluated: 2020-09-29. Review status: criteria provided, single submitter. Criteria: GeneDx Variant Classification Process June 2021. Collection method: clinical testing. Allele origin: germline. Affected: yes.

Breakthrough Genomics
Classification: Likely benign. Review status: criteria provided, single submitter. Criteria: ACMG Guidelines, 2015. Collection method: not provided. Allele origin: germline. Inheritance: Autosomal recessive inheritance. Affected: yes.

PreventionGenetics, part of Exact Sciences
Classification: Likely benign for S1PR2-related condition. Last evaluated: 2024-08-07. Review status: no assertion criteria provided. Collection method: clinical testing. Allele origin: germline. Not counted in ClinVar's aggregate classification.
Comment: This variant is classified as likely benign based on ACMG/AMP sequence variant interpretation guidelines (Richards et al. 2015 PMID: 25741868, with internal and published modifications).

NM_004230.4(S1PR2):c.480G>A (p.Leu160=)

Gene: S1PR2 (sphingosine-1-phosphate receptor 2; minus strand). Cytogenetic location: 19p13.2.
Variant type: single nucleotide variant.
Coding change: c.480G>A on transcript NM_004230.4 (MANE Select); coding-DNA position 480, G replaced by A.
Protein change: p.Leu160=; no amino-acid change (leucine 160 retained).
Molecular consequence: synonymous variant.
Genome position (GRCh38, 1-based): chr19:10,224,426, C>T on the plus strand (G>A on the coding strand, the complement: S1PR2 is on the minus strand). VCF-style: chr19-10224426-C-T. GRCh37 (hg19) VCF-style: chr19-10335102-C-T.
Identifiers: ClinVar variation 1214728 (VCV001214728.14), dbSNP rs144510483, ClinGen allele CA9189081.